The following is an entry in ClinVar:

ClinVar aggregate classification (germline): Uncertain significance (1 of 4 stars; one submission).

Conditions:
Hereditary breast ovarian cancer syndrome. Also called: BRCA1- and BRCA2-Associated Hereditary Breast and Ovarian Cancer; Breast and ovarian cancer; Hereditary breast and ovarian cancer syndrome (HBOC); Hereditary breast and ovarian cancer syndrome; Hereditary breast and/or ovarian cancer syndrome; Hereditary breast and ovarian cancer. Identifiers: Orphanet 145, MedGen C0677776, MeSH D061325, MONDO:0003582. Disease mechanism: loss of function.

Submission:

Labcorp Genetics (formerly Invitae), Labcorp
Classification: Uncertain significance for Hereditary breast ovarian cancer syndrome. Last evaluated: 2024-06-18. Review status: criteria provided, single submitter. Criteria: Invitae Variant Classification Sherloc (09022015). Collection method: clinical testing. Allele origin: germline.
Comment: This sequence change falls in intron 3 of the BRCA1 gene. It does not directly change the encoded amino acid sequence of the BRCA1 protein. This variant is not present in population databases (gnomAD no frequency). This variant has not been reported in the literature in individuals affected with BRCA1-related conditions. Algorithms developed to predict the effect of sequence changes on RNA splicing suggest that this variant may disrupt the consensus splice site. In summary, the available evidence is currently insufficient to determine the role of this variant in disease. Therefore, it has been classified as a Variant of Uncertain Significance.

NM_007294.4(BRCA1):c.135-13T>A

Gene: BRCA1 (BRCA1 DNA repair associated; minus strand). Cytogenetic location: 17q21.31.
Variant type: single nucleotide variant.
Coding change: c.135-13T>A on transcript NM_007294.4 (MANE Select); 13 bases into the intron before coding-DNA position 135, T replaced by A.
Molecular consequence: intron variant.
Genome position (GRCh38, 1-based): chr17:43,106,546, A>T on the plus strand (T>A on the coding strand, the complement: BRCA1 is on the minus strand). VCF-style: chr17-43106546-A-T. GRCh37 (hg19) VCF-style: chr17-41258563-A-T.
Other names: c.135-13T>A (NM_001407689.1, NM_001407670.1, NM_001408431.1 and 167 more transcripts); c.-169-1590T>A (NM_001407965.1, NM_001407959.1, NM_001407962.1 and 4 more transcripts); c.-7-13T>A (NM_001407930.1, NM_001407843.1, NM_001408456.1 and 99 more transcripts); c.-54-13T>A (NM_001408482.1, NM_001407954.1, NM_001407896.1 and 58 more transcripts); c.135-1590T>A (NM_001407874.1, NM_001408416.1, NM_001408414.1 and 21 more transcripts); c.-218-11686T>A (NM_001407967.1, NM_001407966.1); c.81-1590T>A (NM_001408451.1).
Identifiers: ClinVar variation 3656894 (VCV003656894.2).